The following is an entry in ClinVar:

NM_194248.3(OTOF):c.5817G>T (p.Arg1939=)

Gene: OTOF (otoferlin; minus strand). Cytogenetic location: 2p23.3.
Variant type: single nucleotide variant.
Coding change: c.5817G>T on transcript NM_194248.3 (MANE Select); coding-DNA position 5817, G replaced by T.
Protein change: p.Arg1939=; no amino-acid change (arginine 1939 retained).
Molecular consequence: synonymous variant. On other transcripts: intron variant (2).
Genome position (GRCh38, 1-based): chr2:26,460,202, C>A on the plus strand (G>T on the coding strand, the complement: OTOF is on the minus strand). VCF-style: chr2-26460202-C-A. GRCh37 (hg19) VCF-style: chr2-26683070-C-A.
Other names: c.3516G>T, p.Arg1172= (NM_004802.4); c.3747G>T, p.Arg1249= (NM_194322.3); c.5813+445G>T (NM_001287489.2); c.3512+445G>T (NM_194323.3).
Identifiers: ClinVar variation 48271 (VCV000048271.5), dbSNP rs397517950, ClinGen allele CA142950.

ClinVar aggregate classification (germline): Likely benign (1 of 4 stars; one submission).

Allele frequency attached by ClinVar (database versions not stated): ExAC 0.00002.
gnomAD v4.1: 1 of 1,600,552 alleles (0.000062%); highest among the groups gnomAD compares: Non-Finnish European, 0.000085%; no homozygotes.

Submission:

Laboratory for Molecular Medicine, Mass General Brigham Personalized Medicine
Classification: Likely benign. Last evaluated: 2011-09-25. Review status: criteria provided, single submitter. Criteria: LMM Criteria. Collection method: clinical testing. Allele origin: germline. Observed: 1 variant allele.
Comment: Arg1939Arg in exon 46 of OTOF: This variant is not expected to have clinical sig nificance because it does not alter an amino acid residue and is not located nea r a splice junction.